The following is an entry in ClinVar:

ClinVar aggregate classification (germline): Likely benign (1 of 4 stars; one submission).

gnomAD v4.1: 7 of 1,614,010 alleles (0.00043%); highest among the groups gnomAD compares: Non-Finnish European, 0.00059%; no homozygotes.

Submission:

CeGaT Center for Human Genetics Tuebingen
Classification: Likely benign. Last evaluated: 2026-05-01. Review status: criteria provided, single submitter. Criteria: CeGaT Center For Human Genetics Tuebingen Variant Classification Criteria Version 2. Collection method: clinical testing. Allele origin: germline. Affected: yes. Observed: 1 variant allele.
Comment: KDM2B: BP4

NM_032590.5(KDM2B):c.37C>A (p.His13Asn)

Genes: KDM2B (lysine demethylase 2B; minus strand), KDM2B-DT (KDM2B divergent transcript; plus strand). Cytogenetic location: 12q24.31.
Variant type: single nucleotide variant.
Coding change: c.37C>A on transcript NM_032590.5 (MANE Select); coding-DNA position 37, C replaced by A.
Protein change: p.His13Asn; replaces histidine 13 with asparagine.
Molecular consequence: missense variant. On other transcripts: non-coding transcript variant (1), intron variant (3).
Genome position (GRCh38, 1-based): chr12:121,580,875, G>T on the plus strand (C>A on the coding strand, the complement: KDM2B is on the minus strand). VCF-style: chr12-121580875-G-T. GRCh37 (hg19) VCF-style: chr12-122018780-G-T.
Other names: c.37C>A, p.His13Asn (NM_001439016.1, NM_001439017.1, NM_001439018.1); c.63+149C>A (NM_001439029.1, NM_001439023.1, NM_001439022.1); short protein forms H13N.
Identifiers: ClinVar variation 4874871 (VCV004874871.2).